The following is an entry in ClinVar:

NM_015231.3(NUP160):c.4120-3T>C

Gene: NUP160 (nucleoporin 160; minus strand). Cytogenetic location: 11p11.2.
Variant type: single nucleotide variant.
Coding change: c.4120-3T>C on transcript NM_015231.3 (MANE Select); 3 bases into the intron before coding-DNA position 4120, T replaced by C.
Molecular consequence: intron variant.
Genome position (GRCh38, 1-based): chr11:47,779,197, A>G on the plus strand (T>C on the coding strand, the complement: NUP160 is on the minus strand). VCF-style: chr11-47779197-A-G. GRCh37 (hg19) VCF-style: chr11-47800749-A-G.
Other names: c.4222-3T>C (NM_015231.2).
Identifiers: ClinVar variation 2188854 (VCV002188854.6), dbSNP rs201495092, ClinGen allele CA5980403.
Genomic context (GRCh38, chr11:47,779,197, plus strand): 5'-TTGCCTTATCAACTTTTTGCTGGTAGTCCTCCAATTTGTCAAGTATTTTCTGGGACAGCT[A>G]TAAGAGAAAAGAAGGAAAACATTACATAACAGCTCAACAATGGAAAAATATTGAAGTTAT-3'

ClinVar aggregate classification (germline): Uncertain significance. Review status: criteria provided, single submitter (1 of 4 stars). 2 submissions from 2 submitters: Uncertain significance (1). 1 of the submissions does not count toward it. Last evaluated 2022-05-19.

Conditions:
NUP160-related disorder. Also called: NUP160-related condition.

Allele frequency attached by ClinVar (database versions not stated): TOPMed 0.00022; gnomAD 0.00024; ESP Exome Variant Server 0.00031; ExAC 0.00033; gnomAD exomes 0.00052.
gnomAD v4.1: 828 of 1,594,308 alleles (0.052%); highest among the groups gnomAD compares: Non-Finnish European, 0.06%; 1 homozygote.

Submissions (2):

Labcorp Genetics (formerly Invitae), Labcorp
Classification: Uncertain significance. Last evaluated: 2022-05-19. Review status: criteria provided, single submitter. Criteria: Invitae Variant Classification Sherloc (09022015). Collection method: clinical testing. Allele origin: germline.
Comment: This variant is present in population databases (rs201495092, gnomAD 0.06%). In summary, the available evidence is currently insufficient to determine the role of this variant in disease. Therefore, it has been classified as a Variant of Uncertain Significance. Variants that disrupt the consensus splice site are a relatively common cause of aberrant splicing (PMID: 17576681, 9536098). Algorithms developed to predict the effect of sequence changes on RNA splicing suggest that this variant is not likely to affect RNA splicing. This variant has not been reported in the literature in individuals affected with NUP160-related conditions. This sequence change falls in intron 35 of the NUP160 gene. It does not directly change the encoded amino acid sequence of the NUP160 protein. It affects a nucleotide within the consensus splice site.

PreventionGenetics, part of Exact Sciences
Classification: Likely benign for NUP160-related condition. Last evaluated: 2019-03-14. Review status: no assertion criteria provided. Collection method: clinical testing. Allele origin: germline. Not counted in ClinVar's aggregate classification.
Comment: This variant is classified as likely benign based on ACMG/AMP sequence variant interpretation guidelines (Richards et al. 2015 PMID: 25741868, with internal and published modifications).

Literature cited by the submitters: PubMed 17576681 (cited by Labcorp Genetics (formerly Invitae), Labcorp); PubMed 9536098 (cited by Labcorp Genetics (formerly Invitae), Labcorp).